The following is an entry in ClinVar:

ClinVar aggregate classification (germline): Uncertain significance (1 of 4 stars; one submission).

gnomAD v4.1: 1 of 1,613,856 alleles (0.000062%); highest among the groups gnomAD compares: Non-Finnish European, 0.000085%; no homozygotes.

Submission:

GeneDx
Classification: Uncertain significance. Last evaluated: 2024-07-09. Review status: criteria provided, single submitter. Criteria: GeneDx Variant Classification Process June 2021. Collection method: clinical testing. Allele origin: germline. Affected: yes.
Comment: Not observed at significant frequency in large population cohorts (gnomAD); In silico analysis indicates that this missense variant does not alter protein structure/function; Has not been previously published as pathogenic or benign to our knowledge

NM_001148.6(ANK2):c.5069C>T (p.Thr1690Ile)

Gene: ANK2 (ankyrin 2; plus strand). Cytogenetic location: 4q26.
Variant type: single nucleotide variant.
Coding change: c.5069C>T on transcript NM_001148.6 (MANE Select); coding-DNA position 5069, C replaced by T.
Protein change: p.Thr1690Ile; replaces threonine 1690 with isoleucine.
Molecular consequence: missense variant. On other transcripts: intron variant (68).
Genome position (GRCh38, 1-based): chr4:113,353,687, C>T. VCF-style: chr4-113353687-C-T. GRCh37 (hg19) VCF-style: chr4-114274843-C-T.
Other names: c.4835C>T, p.Thr1612Ile (NM_001386142.1); c.1469C>T, p.Thr490Ile (NM_001386166.1); c.5210C>T, p.Thr1737Ile (NM_001386174.1); c.5186C>T, p.Thr1729Ile (NM_001386175.1); c.4411+3438C>T (NM_001386186.2, NM_001386148.2); c.4213+3438C>T (NM_001354269.3); c.4291+3438C>T (NM_001386187.2); c.4252+3438C>T (NM_001386147.1); and 35 more; short protein forms T1612I, T1737I, T1690I, T1729I, T490I.
Identifiers: ClinVar variation 3572657 (VCV003572657.1).